The following is an entry in ClinVar:

NM_032861.4(SERAC1):c.129-85C>G

Gene: SERAC1 (serine active site containing 1; minus strand). Cytogenetic location: 6q25.3.
Variant type: single nucleotide variant.
Coding change: c.129-85C>G on transcript NM_032861.4 (MANE Select); 85 bases into the intron before coding-DNA position 129, C replaced by G.
Molecular consequence: intron variant.
Genome position (GRCh38, 1-based): chr6:158,150,674, G>C on the plus strand (C>G on the coding strand, the complement: SERAC1 is on the minus strand). VCF-style: chr6-158150674-G-C. GRCh37 (hg19) VCF-style: chr6-158571706-G-C.
Identifiers: ClinVar variation 676193 (VCV000676193.1), dbSNP rs6933878, ClinGen allele CA150949663.
Genomic context (GRCh38, chr6:158,150,674, plus strand): 5'-TCATAAATAGACAATCAAAATGTAACACAAGAGCTACTCTTCTCTATTAAGCTTGTCATA[G>C]TAAACTTCTTTTTTGTTGGGAAACATAACATGTATACAGTAATATGCATATAACATTTAT-3'

ClinVar aggregate classification (germline): Benign (1 of 4 stars; one submission).

Allele frequency attached by ClinVar (database versions not stated): TOPMed 0.24054; 1000 Genomes Project 0.26038; 1000 Genomes Project 30x 0.25656.
gnomAD v4.1: 222,599 of 984,882 alleles (23%); highest among the groups gnomAD compares: East Asian, 30%; 25,891 homozygotes.

Submission:

GeneDx
Classification: Benign. Last evaluated: 2018-06-14. Review status: criteria provided, single submitter. Criteria: GeneDx Variant Classification (06012015). Collection method: clinical testing. Allele origin: germline. Affected: yes.
Comment: This variant is considered likely benign or benign based on one or more of the following criteria: it is a conservative change, it occurs at a poorly conserved position in the protein, it is predicted to be benign by multiple in silico algorithms, and/or has population frequency not consistent with disease.